The following is an entry in ClinVar:

ClinVar aggregate classification (germline): Pathogenic (1 of 4 stars; one submission).

Conditions:
Ehlers-Danlos syndrome due to tenascin-X deficiency (EDSCLL1). Also called: EDS DUE TO TNX DEFICIENCY; TNXB-Related Classical-Like Ehlers-Danlos Syndrome; TNX DEFICIENCY; EHLERS-DANLOS SYNDROME, CLASSIC-LIKE; Ehlers-Danlos syndrome, classic-like, 1. Identifiers: Orphanet 230839, MedGen C1848029, MONDO:0011670, OMIM 606408.

Submission:

Department of Clinical Genetics, Copenhagen University Hospital, Rigshospitalet
Classification: Pathogenic for Ehlers-Danlos syndrome due to tenascin-X deficiency. Last evaluated: 2024-03-22. Review status: criteria provided, single submitter. Criteria: ACMG Guidelines, 2015. Collection method: clinical testing. Allele origin: germline.
Comment: PVS1_VStr, PP3_M, PM2_Sup

NM_001365276.2(TNXB):c.6454_6460dup (p.Glu2154fs)

Gene: TNXB (tenascin XB; minus strand). Cytogenetic location: 6p21.33.
Variant type: Duplication.
Coding change: c.6454_6460dup on transcript NM_001365276.2 (MANE Select); coding-DNA positions 6454 to 6460, 7 bases duplicated (GGCCTGG; older notation c.6454_6460dupGGCCTGG).
Protein change: p.Glu2154fs; shifts the reading frame from glutamic acid 2154.
Molecular consequence: frameshift variant.
Genome position (GRCh38, 1-based): chr6:32,067,745-32,067,751, CCAGGCC duplicated on the plus strand (GGCCTGG on the coding strand, the reverse complement: TNXB is on the minus strand); duplicating any 7 consecutive bases within chr6:32,067,745-32,067,753 gives the same sequence; the c. name uses the placement nearest the transcript's 3' end. VCF-style (leftmost placement, unchanged base first): chr6-32067744-T-TCCAGGCC. GRCh37 (hg19) VCF-style: chr6-32035521-T-TCCAGGCC.
Other names: c.7195_7201dup, p.Glu2401fs (NM_001428335.1); c.6454_6460dup, p.Glu2154fs (NM_019105.8); c.6454_6460dupGGCCTGG (NM_019105.8); short protein forms E2154fs, E2401fs.
Identifiers: ClinVar variation 3899274 (VCV003899274.1).
Genomic context (GRCh38, chr6:32,067,744, plus strand): 5'-GGGCCCACGCGCCGCCCCTCGTGGAGGCCGTACAGGTGCATCTTGTACTTGCGCCCAGGC[T>TCCAGGCC]CCAGGCCCCCCACGGTGACTTCACTCTCCTCGCCCCCAACACGCACCACCTGGGGCCGCC-3'